The following is an entry in ClinVar:

NM_020937.4(FANCM):c.3244G>A (p.Asp1082Asn)

Gene: FANCM (FA complementation group M; plus strand). Cytogenetic location: 14q21.2.
Variant type: single nucleotide variant.
Coding change: c.3244G>A on transcript NM_020937.4 (MANE Select); coding-DNA position 3244, G replaced by A.
Protein change: p.Asp1082Asn; replaces aspartic acid 1082 with asparagine.
Molecular consequence: missense variant.
Genome position (GRCh38, 1-based): chr14:45,175,998, G>A. VCF-style: chr14-45175998-G-A. GRCh37 (hg19) VCF-style: chr14-45645201-G-A.
Other names: c.3166G>A, p.Asp1056Asn (NM_001308133.2); short protein forms D1056N, D1082N.
Identifiers: ClinVar variation 1405750 (VCV001405750.8), dbSNP rs2139246974, ClinGen allele CA389600536.

ClinVar aggregate classification (germline): Uncertain significance (1 of 4 stars; one submission).

Conditions:
Fanconi anemia (FA). Also called: Fanconi's anemia. Identifiers: Orphanet 84, MedGen C0015625, MeSH D005199, MONDO:0019391.

Submission:

Labcorp Genetics (formerly Invitae), Labcorp
Classification: Uncertain significance for Fanconi anemia. Last evaluated: 2021-07-15. Review status: criteria provided, single submitter. Criteria: Invitae Variant Classification Sherloc (09022015). Collection method: clinical testing. Allele origin: germline.
Comment: This variant is not present in population databases (ExAC no frequency). In summary, the available evidence is currently insufficient to determine the role of this variant in disease. Therefore, it has been classified as a Variant of Uncertain Significance. Algorithms developed to predict the effect of missense changes on protein structure and function are either unavailable or do not agree on the potential impact of this missense change (SIFT: "Deleterious"; PolyPhen-2: "Possibly Damaging"; Align-GVGD: "Class C0"). This variant has not been reported in the literature in individuals affected with FANCM-related conditions. This sequence change replaces aspartic acid with asparagine at codon 1082 of the FANCM protein (p.Asp1082Asn). The aspartic acid residue is weakly conserved and there is a small physicochemical difference between aspartic acid and asparagine.